The following is an entry in ClinVar:

NM_198407.2(GHSR):c.144C>T (p.Ala48=)

Gene: GHSR (growth hormone secretagogue receptor; minus strand). Cytogenetic location: 3q26.31.
Variant type: single nucleotide variant.
Coding change: c.144C>T on transcript NM_198407.2 (MANE Select); coding-DNA position 144, C replaced by T.
Protein change: p.Ala48=; no amino-acid change (alanine 48 retained).
Molecular consequence: synonymous variant.
Genome position (GRCh38, 1-based): chr3:172,448,270, G>A on the plus strand (C>T on the coding strand, the complement: GHSR is on the minus strand). VCF-style: chr3-172448270-G-A. GRCh37 (hg19) VCF-style: chr3-172166060-G-A.
Other names: c.144C>T, p.Ala48= (NM_004122.2).
Identifiers: ClinVar variation 698146 (VCV000698146.19), dbSNP rs2232166, ClinGen allele CA2706524.
Genomic context (GRCh38, chr3:172,448,270, plus strand): 5'-CACCACCAGCATGGTGAGCAGGTTGCCAGCGATGCCCACCACGAAGAGTGCCACGCAGGT[G>A]GCTGTGACGCCCGCCAGCAGCGGCGCGGGGAAGAGCTGCAGCAGCTCGTCGCCCAGCGAG-3'
Protein context (NP_940799.1, residues 38-58): FPAPLLAGVT[Ala48=]TCVALFVVGI

ClinVar aggregate classification (germline): Benign. Review status: criteria provided, multiple submitters, no conflicts (2 of 4 stars). 5 submissions from 5 submitters: Benign (5). Last evaluated 2026-05-11.

Conditions:
Short stature due to growth hormone secretagogue receptor deficiency (GHDP). Also called: Short stature due to GHSR deficiency. Identifiers: Orphanet 314811, MedGen C5887324, MONDO:0014403, OMIM 615925.

Allele frequency attached by ClinVar (database versions not stated): gnomAD exomes 0.00312 and 0.00550; gnomAD 0.00322 and 0.00357; ESP Exome Variant Server 0.00354; TOPMed 0.00407; ExAC 0.00535; 1000 Genomes Project 30x 0.00671; 1000 Genomes Project 0.00699.
gnomAD v4.1: 5,361 of 1,613,176 alleles (0.33%); highest among the groups gnomAD compares: Middle Eastern, 2.5%; 42 homozygotes.

Submissions (5):

Women's Health and Genetics/Laboratory Corporation of America, LabCorp
Classification: Benign. Last evaluated: 2026-05-11. Review status: criteria provided, single submitter. Criteria: LabCorp Variant Classification Summary - May 2015. Collection method: clinical testing. Allele origin: germline.

CeGaT Center for Human Genetics Tuebingen
Classification: Benign. Last evaluated: 2026-02-01. Review status: criteria provided, single submitter. Criteria: CeGaT Center For Human Genetics Tuebingen Variant Classification Criteria Version 2. Collection method: clinical testing. Allele origin: germline. Affected: yes. Observed: 1 variant allele.
Comment: GHSR: BP4, BP7, BS1, BS2

Labcorp Genetics (formerly Invitae), Labcorp
Classification: Benign. Last evaluated: 2026-01-23. Review status: criteria provided, single submitter. Criteria: Invitae Variant Classification Sherloc (09022015). Collection method: clinical testing. Allele origin: germline.

Illumina Laboratory Services, Illumina
Classification: Benign for Short stature due to growth hormone secretagogue receptor deficiency. Last evaluated: 2018-01-12. Review status: criteria provided, single submitter. Criteria: ICSL Variant Classification Criteria 13 December 2019. Collection method: clinical testing. Allele origin: germline.
Comment: This variant was observed in the ICSL laboratory as part of a predisposition screen in an ostensibly healthy population. It had not been previously curated by ICSL or reported in the Human Gene Mutation Database (HGMD: prior to June 1st, 2018), and was therefore a candidate for classification through an automated scoring system. Utilizing variant allele frequency, disease prevalence and penetrance estimates, and inheritance mode, an automated score was calculated to assess if this variant is too frequent to cause the disease. Based on the score and internal cut-off values, a variant classified as benign is not then subjected to further curation. The score for this variant resulted in a classification of benign for this disease.

Breakthrough Genomics
Classification: Benign. Review status: criteria provided, single submitter. Criteria: ACMG Guidelines, 2015. Collection method: not provided. Allele origin: germline. Inheritance: Autosomal dominant inheritance. Affected: yes.